The following is an entry in ClinVar:

NM_007194.4(CHEK2):c.893A>G (p.Tyr298Cys)

Gene: CHEK2 (checkpoint kinase 2; minus strand). Cytogenetic location: 22q12.1.
Variant type: single nucleotide variant.
Coding change: c.893A>G on transcript NM_007194.4 (MANE Select); coding-DNA position 893, A replaced by G.
Protein change: p.Tyr298Cys; replaces tyrosine 298 with cysteine.
Molecular consequence: missense variant.
Genome position (GRCh38, 1-based): chr22:28,703,520, T>C on the plus strand (A>G on the coding strand, the complement: CHEK2 is on the minus strand). VCF-style: chr22-28703520-T-C. GRCh37 (hg19) VCF-style: chr22-29099508-T-C.
Other names: c.1022A>G, p.Tyr341Cys (NM_001005735.3); c.230A>G, p.Tyr77Cys (NM_001257387.3); c.692A>G, p.Tyr231Cys (NM_001349956.3); c.893A>G, p.Tyr298Cys (NM_145862.3); short protein forms Y298C, Y341C, Y231C, Y77C.
Identifiers: ClinVar variation 568912 (VCV000568912.13), dbSNP rs1569128113, ClinGen allele CA411101009.

ClinVar aggregate classification (germline): Uncertain significance. Review status: criteria provided, multiple submitters, no conflicts (2 of 4 stars). 2 submissions from 2 submitters: Uncertain significance (2). Last evaluated 2025-09-24.

Conditions:
Hereditary cancer-predisposing syndrome. Also called: Neoplastic Syndromes, Hereditary; Tumor predisposition; Hereditary neoplastic syndrome; Hereditary Cancer Syndrome. Identifiers: Orphanet 140162, MedGen C0027672, MeSH D009386, MONDO:0015356.
Familial cancer of breast. Also called: BREAST CANCER, FAMILIAL; Hereditary breast cancer; hereditary breast carcinoma. Identifiers: Orphanet 227535, MedGen C0346153, MONDO:0016419, OMIM 114480. Disease mechanism: loss of function.

Submissions (2):

Labcorp Genetics (formerly Invitae), Labcorp
Classification: Uncertain significance for Familial cancer of breast. Last evaluated: 2025-09-24. Review status: criteria provided, single submitter. Criteria: Invitae Variant Classification Sherloc (09022015). Collection method: clinical testing. Allele origin: germline.
Comment: This sequence change replaces tyrosine, which is neutral and polar, with cysteine, which is neutral and slightly polar, at codon 298 of the CHEK2 protein (p.Tyr298Cys). This variant is not present in population databases (gnomAD no frequency). This variant has not been reported in the literature in individuals affected with CHEK2-related conditions. ClinVar contains an entry for this variant (Variation ID: 568912). An algorithm developed to predict the effect of missense changes on protein structure and function (PolyPhen-2) suggests that this variant is likely to be disruptive. In summary, the available evidence is currently insufficient to determine the role of this variant in disease. Therefore, it has been classified as a Variant of Uncertain Significance.

Ambry Genetics
Classification: Uncertain significance for Hereditary cancer-predisposing syndrome. Last evaluated: 2022-08-01. Review status: criteria provided, single submitter. Criteria: Ambry Variant Classification Scheme 2023. Collection method: clinical testing. Allele origin: germline.
Comment: The p.Y298C variant (also known as c.893A>G), located in coding exon 7 of the CHEK2 gene, results from an A to G substitution at nucleotide position 893. The tyrosine at codon 298 is replaced by cysteine, an amino acid with highly dissimilar properties. This amino acid position is conserved. In addition, the in silico prediction for this alteration is inconclusive. Since supporting evidence is limited at this time, the clinical significance of this alteration remains unclear.